The following is an entry in ClinVar:

NM_000147.5(FUCA1):c.7del (p.Ala3fs)

Gene: FUCA1 (alpha-L-fucosidase 1; minus strand). Cytogenetic location: 1p36.11.
Variant type: Deletion.
Coding change: c.7del on transcript NM_000147.5 (MANE Select); coding-DNA position 7, one base deleted (G; older notation c.7delG).
Protein change: p.Ala3fs; shifts the reading frame from alanine 3.
Molecular consequence: frameshift variant.
Genome position (GRCh38, 1-based): chr1:23,868,280, C deleted on the plus strand (G on the coding strand, the reverse complement: FUCA1 is on the minus strand); the first of 3 consecutive C bases (chr1:23,868,280-23,868,282); deleting any one gives the same sequence. VCF-style (leftmost placement, unchanged base first): chr1-23868279-GC-G. GRCh37 (hg19) VCF-style: chr1-24194769-GC-G.
Other names: short protein forms A3fs.
Identifiers: ClinVar variation 1324433 (VCV001324433.8), dbSNP rs1639669672, ClinGen allele CA999598353.

ClinVar aggregate classification (germline): Pathogenic/Likely pathogenic. Review status: criteria provided, multiple submitters, no conflicts (2 of 4 stars). 3 submissions from 3 submitters: Pathogenic (1); Likely pathogenic (2). Last evaluated 2026-01-17.

Conditions:
Fucosidosis. Also called: ALPHA-L-FUCOSIDASE DEFICIENCY. Identifiers: Orphanet 349, MedGen C0016788, MONDO:0009254, OMIM 230000.

Submissions (3):

Labcorp Genetics (formerly Invitae), Labcorp
Classification: Pathogenic for Fucosidosis. Last evaluated: 2026-01-17. Review status: criteria provided, single submitter. Criteria: Invitae Variant Classification Sherloc (09022015). Collection method: clinical testing. Allele origin: germline.
Comment: This sequence change creates a premature translational stop signal (p.Ala3Leufs*4) in the FUCA1 gene. It is expected to result in an absent or disrupted protein product. Loss-of-function variants in FUCA1 are known to be pathogenic (PMID: 10094192). This variant is not present in population databases (gnomAD no frequency). This variant has not been reported in the literature in individuals affected with FUCA1-related conditions. ClinVar contains an entry for this variant (Variation ID: 1324433). For these reasons, this variant has been classified as Pathogenic.

Fulgent Genetics
Classification: Likely pathogenic for Fucosidosis. Last evaluated: 2023-12-28. Review status: criteria provided, single submitter. Criteria: ACMG Guidelines, 2015. Collection method: clinical testing. Allele origin: germline.

Revvity Omics, Revvity
Classification: Likely pathogenic for Fucosidosis. Last evaluated: 2021-09-22. Review status: criteria provided, single submitter. Criteria: ACMG Guidelines, 2015. Collection method: clinical testing. Allele origin: germline.

Literature cited by the submitters: PubMed 10094192 (cited by Labcorp Genetics (formerly Invitae), Labcorp).